The following is an entry in ClinVar:

ClinVar aggregate classification (germline): Likely benign. Review status: criteria provided, multiple submitters, no conflicts (2 of 4 stars). 2 submissions from 2 submitters: Likely benign (2). Last evaluated 2025-07-29.

Conditions:
Inflammatory skin and bowel disease, neonatal, 1. Identifiers: Orphanet 294023, MedGen C3280501, MONDO:0013693, OMIM 614328.
ADAM17-related disorder. Also called: ADAM17-related condition.

Allele frequency attached by ClinVar (database versions not stated): TOPMed 0.00001.
gnomAD v4.1: 9 of 1,613,786 alleles (0.00056%); highest among the groups gnomAD compares: Admixed American, 0.0017%; no homozygotes.

Submissions (2):

PreventionGenetics, part of Exact Sciences
Classification: Likely benign for ADAM17-related condition. Last evaluated: 2025-07-29. Review status: criteria provided, single submitter. Criteria: ACMG Guidelines, 2015. Collection method: clinical testing. Allele origin: germline.
Comment: This variant is classified as likely benign based on ACMG/AMP sequence variant interpretation guidelines (Richards et al. 2015 PMID: 25741868, with internal and published modifications).

Labcorp Genetics (formerly Invitae), Labcorp
Classification: Likely benign for Inflammatory skin and bowel disease, neonatal, 1. Last evaluated: 2024-09-10. Review status: criteria provided, single submitter. Criteria: Invitae Variant Classification Sherloc (09022015). Collection method: clinical testing. Allele origin: germline.

NM_003183.6(ADAM17):c.2169G>A (p.Ser723=)

Genes: ADAM17 (ADAM metallopeptidase domain 17; minus strand), IAH1 (isoamyl acetate hydrolyzing esterase 1 (putative); plus strand). Cytogenetic location: 2p25.1.
Variant type: single nucleotide variant.
Coding change: c.2169G>A on transcript NM_003183.6 (MANE Select); coding-DNA position 2169, G replaced by A.
Protein change: p.Ser723=; no amino-acid change (serine 723 retained).
Molecular consequence: synonymous variant.
Genome position (GRCh38, 1-based): chr2:9,490,483, C>T on the plus strand (G>A on the coding strand, the complement: ADAM17 is on the minus strand). VCF-style: chr2-9490483-C-T. GRCh37 (hg19) VCF-style: chr2-9630612-C-T.
Identifiers: ClinVar variation 743118 (VCV000743118.7), dbSNP rs1016756984, ClinGen allele CA42366924.